The following is an entry in ClinVar:

NM_001369268.1(ACAN):c.2245del (p.Val749fs)

Gene: ACAN (aggrecan; plus strand). Cytogenetic location: 15q26.1.
Variant type: Deletion.
Coding change: c.2245del on transcript NM_001369268.1 (MANE Select); coding-DNA position 2245, one base deleted (G; older notation c.2245delG).
Protein change: p.Val749fs; shifts the reading frame from valine 749.
Molecular consequence: frameshift variant.
Genome position (GRCh38, 1-based): chr15:88,852,012, G deleted. VCF-style (leftmost placement, unchanged base first): chr15-88852011-AG-A. GRCh37 (hg19) VCF-style: chr15-89395242-AG-A.
Other names: c.2245del, p.Val749fs (NM_001135.4, NM_001411096.1, NM_001411097.1 and 1 more transcripts); short protein forms V749fs.
Identifiers: ClinVar variation 2826536 (VCV002826536.3), dbSNP rs2505296147, ClinGen allele CA2739269703.

ClinVar aggregate classification (germline): Pathogenic (1 of 4 stars; one submission).

Submission:

Labcorp Genetics (formerly Invitae), Labcorp
Classification: Pathogenic. Last evaluated: 2023-02-10. Review status: criteria provided, single submitter. Criteria: Invitae Variant Classification Sherloc (09022015). Collection method: clinical testing. Allele origin: germline.
Comment: For these reasons, this variant has been classified as Pathogenic. This variant has not been reported in the literature in individuals affected with ACAN-related conditions. This variant is not present in population databases (gnomAD no frequency). This sequence change creates a premature translational stop signal (p.Val749Trpfs*61) in the ACAN gene. It is expected to result in an absent or disrupted protein product. Loss-of-function variants in ACAN are known to be pathogenic (PMID: 16080123, 24762113).

Literature cited by the submitters: PubMed 16080123; PubMed 24762113.